The following is an entry in ClinVar:

ClinVar aggregate classification (germline): Conflicting classifications of pathogenicity. Review status: criteria provided, conflicting classifications (1 of 4 stars). 6 submissions from 6 submitters: Uncertain significance (1); Likely benign (4). 1 of the submissions does not count toward it. Last evaluated 2026-01-01.

Conditions:
SLC1A2-related disorder. Also called: SLC1A2-related condition.
Inborn genetic diseases. Identifiers: MedGen C0950123, MeSH D030342.

Allele frequency attached by ClinVar (database versions not stated): ESP Exome Variant Server 0.00039; TOPMed 0.00054; gnomAD 0.00056; gnomAD exomes 0.00065 and 0.00089; ExAC 0.00091.
gnomAD v4.1: 1,335 of 1,566,008 alleles (0.085%); highest among the groups gnomAD compares: Non-Finnish European, 0.1%; 2 homozygotes.

Submissions (6):

Labcorp Genetics (formerly Invitae), Labcorp
Classification: Likely benign. Last evaluated: 2026-01-01. Review status: criteria provided, single submitter. Criteria: Invitae Variant Classification Sherloc (09022015). Collection method: clinical testing. Allele origin: germline.

Laboratory of Genetics, Children's Clinical University Hospital Latvia
Classification: Likely benign. Last evaluated: 2025-02-16. Review status: criteria provided, single submitter. Criteria: ACMG Guidelines, 2015. Collection method: clinical testing. Allele origin: germline. Affected: yes.

Blueprint Genetics
Classification: Likely benign. Last evaluated: 2024-11-05. Review status: criteria provided, single submitter. Criteria: ACMG Guidelines, 2015. Collection method: clinical testing. Allele origin: germline.

CeGaT Center for Human Genetics Tuebingen
Classification: Uncertain significance. Last evaluated: 2024-01-01. Review status: criteria provided, single submitter. Criteria: CeGaT Center For Human Genetics Tuebingen Variant Classification Criteria Version 2. Collection method: clinical testing. Allele origin: germline. Affected: yes. Observed: 1 variant allele.

Ambry Genetics
Classification: Likely benign for Inborn genetic diseases. Last evaluated: 2022-08-26. Review status: criteria provided, single submitter. Criteria: Ambry Variant Classification Scheme 2023. Collection method: clinical testing. Allele origin: germline.

PreventionGenetics, part of Exact Sciences
Classification: Likely benign for SLC1A2-related condition. Last evaluated: 2020-06-25. Review status: no assertion criteria provided. Collection method: clinical testing. Allele origin: germline. Not counted in ClinVar's aggregate classification.
Comment: This variant is classified as likely benign based on ACMG/AMP sequence variant interpretation guidelines (Richards et al. 2015 PMID: 25741868, with internal and published modifications).

NM_004171.4(SLC1A2):c.16G>A (p.Gly6Ser)

Gene: SLC1A2 (solute carrier family 1 member 2; minus strand). Cytogenetic location: 11p13.
Variant type: single nucleotide variant.
Coding change: c.16G>A on transcript NM_004171.4 (MANE Select); coding-DNA position 16, G replaced by A.
Protein change: p.Gly6Ser; replaces glycine 6 with serine.
Molecular consequence: missense variant. On other transcripts: intron variant (2).
Genome position (GRCh38, 1-based): chr11:35,418,951, C>T on the plus strand (G>A on the coding strand, the complement: SLC1A2 is on the minus strand). VCF-style: chr11-35418951-C-T. GRCh37 (hg19) VCF-style: chr11-35440498-C-T.
Other names: c.16G>A (NM_004171.3); c.-130+985G>A (NM_001195728.3); c.-167+957G>A (NM_001252652.2); short protein forms G6S.
Identifiers: ClinVar variation 1107261 (VCV001107261.35), dbSNP rs145827578, ClinGen allele CA5947449.